The following is an entry in ClinVar:

ClinVar aggregate classification (germline): Uncertain significance (1 of 4 stars; one submission).

gnomAD v4.1: 18 of 1,611,272 alleles (0.0011%); highest among the groups gnomAD compares: Non-Finnish European, 0.0014%; no homozygotes.

Submission:

Labcorp Genetics (formerly Invitae), Labcorp
Classification: Uncertain significance. Last evaluated: 2025-06-06. Review status: criteria provided, single submitter. Criteria: Invitae Variant Classification Sherloc (09022015). Collection method: clinical testing. Allele origin: germline.
Comment: This sequence change replaces alanine, which is neutral and non-polar, with threonine, which is neutral and polar, at codon 55 of the NFATC1 protein (p.Ala55Thr). This variant is not present in population databases (gnomAD no frequency). This variant has not been reported in the literature in individuals affected with NFATC1-related conditions. An algorithm developed to predict the effect of missense changes on protein structure and function outputs the following: PolyPhen-2: "Benign". The threonine amino acid residue is found in multiple mammalian species, which suggests that this missense change does not adversely affect protein function. In summary, the available evidence is currently insufficient to determine the role of this variant in disease. Therefore, it has been classified as a Variant of Uncertain Significance.

NM_001278669.2(NFATC1):c.163G>A (p.Ala55Thr)

Gene: NFATC1 (nuclear factor of activated T cells 1; plus strand). Cytogenetic location: 18q23.
Variant type: single nucleotide variant.
Coding change: c.163G>A on transcript NM_001278669.2 (MANE Select); coding-DNA position 163, G replaced by A.
Protein change: p.Ala55Thr; replaces alanine 55 with threonine.
Molecular consequence: missense variant. On other transcripts: intron variant (2).
Genome position (GRCh38, 1-based): chr18:79,410,438, G>A. VCF-style: chr18-79410438-G-A. GRCh37 (hg19) VCF-style: chr18-77170438-G-A.
Other names: c.163G>A, p.Ala55Thr (NM_001278670.2, NM_006162.5, NM_172390.3); c.124G>A, p.Ala42Thr (NM_001278672.2, NM_001278675.2, NM_172387.3 and 1 more transcripts); c.-191+14087G>A (NM_172388.3); c.-191+9959G>A (NM_001278673.2); short protein forms A42T, A55T.
Identifiers: ClinVar variation 4692822 (VCV004692822.1).
Genomic context (GRCh38, chr18:79,410,438, plus strand): 5'-CCCATCTGCTTCTTTTTCTCTCTAGAACACTATGGCTATGCATCCTCCAACGTCAGCCCC[G>A]CCCTGCCGCTCCCCACGGCGCACTCCACCCTGCCGGCCCCGTGCCACAACCTTCAGACCT-3'
Protein context (NP_001265598.1, residues 45-65): YGYASSNVSP[Ala55Thr]LPLPTAHSTL